The following is an entry in ClinVar:

NM_005097.4(LGI1):c.1445T>C (p.Leu482Pro)

Gene: LGI1 (leucine rich glioma inactivated 1; plus strand). Cytogenetic location: 10q23.33.
Variant type: single nucleotide variant.
Coding change: c.1445T>C on transcript NM_005097.4 (MANE Select); coding-DNA position 1445, T replaced by C.
Protein change: p.Leu482Pro; replaces leucine 482 with proline.
Molecular consequence: missense variant. On other transcripts: non-coding transcript variant (1), intron variant (1).
Genome position (GRCh38, 1-based): chr10:93,797,574, T>C. VCF-style: chr10-93797574-T-C. GRCh37 (hg19) VCF-style: chr10-95557331-T-C.
Other names: c.839-175T>C (NM_001308275.2); c.1301T>C, p.Leu434Pro (NM_001308276.2); short protein forms L434P, L482P.
Identifiers: ClinVar variation 4744136 (VCV004744136.1).

ClinVar aggregate classification (germline): Uncertain significance (1 of 4 stars; one submission).

Conditions:
Autosomal dominant epilepsy with auditory features. Identifiers: Orphanet 101046, MedGen C1838062, MONDO:0010898.

Submission:

Labcorp Genetics (formerly Invitae), Labcorp
Classification: Uncertain significance for Autosomal dominant epilepsy with auditory features. Last evaluated: 2025-03-30. Review status: criteria provided, single submitter. Criteria: Invitae Variant Classification Sherloc (09022015). Collection method: clinical testing. Allele origin: germline.
Comment: This sequence change replaces leucine, which is neutral and non-polar, with proline, which is neutral and non-polar, at codon 482 of the LGI1 protein (p.Leu482Pro). This variant is not present in population databases (gnomAD no frequency). This variant has not been reported in the literature in individuals affected with LGI1-related conditions. Invitae Evidence Modeling of protein sequence and biophysical properties (such as structural, functional, and spatial information, amino acid conservation, physicochemical variation, residue mobility, and thermodynamic stability) indicates that this missense variant is not expected to disrupt LGI1 protein function with a negative predictive value of 80%. In summary, the available evidence is currently insufficient to determine the role of this variant in disease. Therefore, it has been classified as a Variant of Uncertain Significance.